The following is an entry in ClinVar:

ClinVar aggregate classification (germline): Uncertain significance. Review status: criteria provided, single submitter (1 of 4 stars). 2 submissions from 2 submitters: Uncertain significance (1). 1 of the submissions does not count toward it. Last evaluated 2018-11-09.

Conditions:
GRIP1-related disorder. Also called: GRIP1-related condition.

Allele frequency attached by ClinVar (database versions not stated): gnomAD 0.00001 and 0.00005; TOPMed 0.00002; gnomAD exomes 0.00014 and 0.00022; 1000 Genomes Project 30x 0.00016; 1000 Genomes Project 0.00020; ExAC 0.00024.
gnomAD v4.1: 202 of 1,613,890 alleles (0.013%); highest among the groups gnomAD compares: South Asian, 0.19%; 2 homozygotes.

Submissions (2):

Genetic Services Laboratory, University of Chicago
Classification: Uncertain significance. Last evaluated: 2018-11-09. Review status: criteria provided, single submitter. Criteria: ACMG Guidelines, 2015. Collection method: clinical testing. Allele origin: germline. Affected: no.

PreventionGenetics, part of Exact Sciences
Classification: Likely benign for GRIP1-related condition. Last evaluated: 2022-06-09. Review status: no assertion criteria provided. Collection method: clinical testing. Allele origin: germline. Not counted in ClinVar's aggregate classification.
Comment: This variant is classified as likely benign based on ACMG/AMP sequence variant interpretation guidelines (Richards et al. 2015 PMID: 25741868, with internal and published modifications).

NM_001366722.1(GRIP1):c.2882G>A (p.Arg961Gln)

Gene: GRIP1 (glutamate receptor interacting protein 1; minus strand). Cytogenetic location: 12q14.3.
Variant type: single nucleotide variant.
Coding change: c.2882G>A on transcript NM_001366722.1 (MANE Select); coding-DNA position 2882, G replaced by A.
Protein change: p.Arg961Gln; replaces arginine 961 with glutamine.
Molecular consequence: missense variant.
Genome position (GRCh38, 1-based): chr12:66,371,824, C>T on the plus strand (G>A on the coding strand, the complement: GRIP1 is on the minus strand). VCF-style: chr12-66371824-C-T. GRCh37 (hg19) VCF-style: chr12-66765604-C-T.
Other names: c.2681G>A, p.Arg894Gln (NM_001178074.2, NM_001379351.1); c.2801G>A, p.Arg934Gln (NM_001366723.1); c.2804G>A, p.Arg935Gln (NM_001366724.1); c.2960G>A, p.Arg987Gln (NM_001379345.1); c.2837G>A, p.Arg946Gln (NM_001379346.1); c.2759G>A, p.Arg920Gln (NM_001379347.1); c.2756G>A, p.Arg919Gln (NM_001379348.1); c.2729G>A, p.Arg910Gln (NM_001379349.1); and 1 more; short protein forms R894Q, R909Q, R910Q, R919Q, R920Q, R934Q, R935Q, R946Q.
Identifiers: ClinVar variation 1336915 (VCV001336915.6), dbSNP rs570235851, ClinGen allele CA6673994.